The following is an entry in ClinVar:

NM_000057.4(BLM):c.2524C>A (p.Leu842Met)

Gene: BLM (BLM RecQ like helicase; plus strand). Cytogenetic location: 15q26.1.
Variant type: single nucleotide variant.
Coding change: c.2524C>A on transcript NM_000057.4 (MANE Select); coding-DNA position 2524, C replaced by A.
Protein change: p.Leu842Met; replaces leucine 842 with methionine.
Molecular consequence: missense variant.
Genome position (GRCh38, 1-based): chr15:90,769,555, C>A. VCF-style: chr15-90769555-C-A. GRCh37 (hg19) VCF-style: chr15-91312785-C-A.
Other names: c.2524C>A, p.Leu842Met (NM_001287246.2, NM_001287247.2); c.1399C>A, p.Leu467Met (NM_001287248.2); short protein forms L842M, L467M.
Identifiers: ClinVar variation 454108 (VCV000454108.20), dbSNP rs1209722688, ClinGen allele CA393845503.

ClinVar aggregate classification (germline): Uncertain significance. Review status: criteria provided, multiple submitters, no conflicts (2 of 4 stars). 3 submissions from 3 submitters: Uncertain significance (2). 1 of the submissions does not count toward it. Last evaluated 2026-01-07.

Conditions:
Hereditary cancer-predisposing syndrome. Also called: Hereditary Cancer Syndrome; Hereditary neoplastic syndrome; Neoplastic Syndromes, Hereditary; Tumor predisposition. Identifiers: Orphanet 140162, MedGen C0027672, MeSH D009386, MONDO:0015356.
Bloom syndrome (BLM). Also called: Bloom-Torre-Machacek syndrome. Identifiers: Orphanet 125, MedGen C0005859, MONDO:0008876, OMIM 210900.

Allele frequency attached by ClinVar (database versions not stated): gnomAD exomes below 0.00001; gnomAD 0.00001; TOPMed 0.00001.
gnomAD v4.1: 5 of 1,613,932 alleles (0.00031%); highest among the groups gnomAD compares: Non-Finnish European, 0.00042%; no homozygotes.

Submissions (3):

Labcorp Genetics (formerly Invitae), Labcorp
Classification: Uncertain significance for Bloom syndrome. Last evaluated: 2026-01-07. Review status: criteria provided, single submitter. Criteria: Invitae Variant Classification Sherloc (09022015). Collection method: clinical testing. Allele origin: germline.
Comment: This sequence change replaces leucine, which is neutral and non-polar, with methionine, which is neutral and non-polar, at codon 842 of the BLM protein (p.Leu842Met). The frequency data for this variant in the population databases is considered unreliable, as metrics indicate poor data quality at this position in the gnomAD database. This variant has not been reported in the literature in individuals affected with BLM-related conditions. ClinVar contains an entry for this variant (Variation ID: 454108). Invitae Evidence Modeling of protein sequence and biophysical properties (such as structural, functional, and spatial information, amino acid conservation, physicochemical variation, residue mobility, and thermodynamic stability) indicates that this missense variant is not expected to disrupt BLM protein function with a negative predictive value of 80%. In summary, the available evidence is currently insufficient to determine the role of this variant in disease. Therefore, it has been classified as a Variant of Uncertain Significance.

Ambry Genetics
Classification: Uncertain significance for Hereditary cancer-predisposing syndrome. Last evaluated: 2024-09-09. Review status: criteria provided, single submitter. Criteria: Ambry Variant Classification Scheme 2023. Collection method: clinical testing. Allele origin: germline.
Comment: The p.L842M variant (also known as c.2524C>A), located in coding exon 11 of the BLM gene, results from a C to A substitution at nucleotide position 2524. The leucine at codon 842 is replaced by methionine, an amino acid with highly similar properties. This amino acid position is highly conserved in available vertebrate species. In addition, this alteration is predicted to be tolerated by in silico analysis. Since supporting evidence is limited at this time, the clinical significance of this alteration remains unclear.

Natera, Inc.
Classification: Uncertain significance for Bloom syndrome. Last evaluated: 2021-04-28. Review status: no assertion criteria provided. Collection method: clinical testing. Allele origin: germline. Not counted in ClinVar's aggregate classification.